The following is an entry in ClinVar:

ClinVar aggregate classification (germline): Pathogenic. Review status: criteria provided, multiple submitters, no conflicts (2 of 4 stars). 8 submissions from 8 submitters: Pathogenic (6). 2 of the submissions do not count toward it. Last evaluated 2026-06-05.

Conditions:
LHCGR-related disorder. Also called: LHCGR-related condition.
Gonadotropin-independent familial sexual precocity. Also called: Familial male-limited precocious puberty; TESTOTOXICOSIS, FAMILIAL. Identifiers: Orphanet 3000, MedGen C0342549, MONDO:0008303, OMIM 176410.
Leydig cell agenesis. Also called: HYPERGONADOTROPIC HYPOGONADISM, MALE, DUE TO LHCGR DEFECT; LEYDIG CELL HYPOPLASIA WITH MALE PSEUDOHERMAPHRODITISM; LEYDIG CELL HYPOPLASIA, COMPLETE; Leydig cell hypoplasia, type 1. Identifiers: MedGen C0266432, MONDO:0009384, OMIM 238320.
Precocious puberty in males. Identifiers: MedGen C1859979, HP:0008185.

Submissions (8):

PreventionGenetics, part of Exact Sciences
Classification: Pathogenic for LHCGR-related condition. Last evaluated: 2026-06-05. Review status: criteria provided, single submitter. Criteria: ACMG Guidelines, 2015. Collection method: clinical testing. Allele origin: germline.
Comment: The LHCGR c.1733A>G variant is predicted to result in the amino acid substitution p.Asp578Gly. This variant has been reported to segregate with disease in many families with male precocious puberty (see, for example: Shenker et al. 1993. PubMed ID: 7692306; Laue et al. 1995. PubMed ID: 7892197; Kawate et al. 1995. PubMed ID: 7562970). In vitro and in vivo experimental studies indicate this variant leads to constitutive receptor activation with increased basal cAMP production compared to wild-type (see, for example: Shenker et al. 1993. PubMed ID: 7692306; Boot et al. 2011. PubMed ID: 21490077; McGee et al. 2013. PubMed ID: 23861372).This variant has not been reported in a large population database (gnomAD), indicating it is rare. Other missense variants affecting the same amino acid (p.Asp578His, p.Asp578Tyr, p.Asp578Ala, p.Asp578Val, p.Asp578Glu) have also been reported in individuals with male precocious puberty (Boot et al. 2011. PubMed ID: 21490077; Laue et al. 1995. PubMed ID: 7892197; Gurnurkar et al. 2020. PubMed ID: 32757547; Siviero-Miachon et al. 2017. PubMed ID: 27532428; Wu et al. 1999. PubMed ID: 9973550). The LHCGR c.1733A>G (p.Asp578Gly) variant is interpreted as pathogenic.

Labcorp Genetics (formerly Invitae), Labcorp
Classification: Pathogenic. Last evaluated: 2025-10-25. Review status: criteria provided, single submitter. Criteria: Invitae Variant Classification Sherloc (09022015). Collection method: clinical testing. Allele origin: germline.
Comment: This sequence change replaces aspartic acid, which is acidic and polar, with glycine, which is neutral and non-polar, at codon 578 of the LHCGR protein (p.Asp578Gly). This variant is not present in population databases (gnomAD no frequency). This missense change has been observed in individuals with autosomal dominant precocious puberty (PMID: 7692306, 30283825). It has also been observed to segregate with disease in related individuals. ClinVar contains an entry for this variant (Variation ID: 14384). Invitae Evidence Modeling of protein sequence and biophysical properties (such as structural, functional, and spatial information, amino acid conservation, physicochemical variation, residue mobility, and thermodynamic stability) indicates that this missense variant is expected to disrupt LHCGR protein function with a positive predictive value of 80%. Experimental studies have shown that this missense change affects LHCGR function (PMID: 7692306, 21490077, 23861372). For these reasons, this variant has been classified as Pathogenic.

GeneDx
Classification: Pathogenic. Last evaluated: 2024-12-10. Review status: criteria provided, single submitter. Criteria: GeneDx Variant Classification Process June 2021. Collection method: clinical testing. Allele origin: germline. Affected: yes.
Comment: Published functional studies demonstrate that p.(D578G) is an activating variant (PMID: 21490077, 7692306); Male members of a knock-in mouse model demonstrated precocious puberty (PMID: 23861372); Not observed at significant frequency in large population cohorts (gnomAD); In silico analysis supports that this missense variant has a deleterious effect on protein structure/function; This variant is associated with the following publications: (PMID: 7692306, 8943222, 9703386, 26040673, 7714085, 7527413, 8855841, 21490077, 7562970, 30283825, 23861372)

Athena Diagnostics
Classification: Pathogenic. Last evaluated: 2024-11-01. Review status: criteria provided, single submitter. Criteria: Athena Diagnostics Criteria. Collection method: clinical testing. Allele origin: unknown.
Comment: This variant has not been reported in large, multi-ethnic general populations. This variant segregates with familial male precocious puberty in at least one family. Assessment of experimental evidence suggests this variant results in abnormal protein function. This variant results in constitutively active cAMP signaling (PMID: 7692306, 7714085, 8943222, 21490077). At least one other missense variant at this codon is considered to be pathogenic or likely pathogenic, suggesting this variant may also cause disease.

Blueprint Genetics
Classification: Pathogenic for LHCGR-related disorders. Last evaluated: 2023-12-04. Review status: criteria provided, single submitter. Criteria: ACMG Guidelines, 2015. Collection method: clinical testing. Allele origin: germline. Affected: yes. Observed: 2 variant alleles.

Fulgent Genetics
Classification: Pathogenic for Gonadotropin-independent familial sexual precocity; Leydig cell agenesis. Last evaluated: 2018-10-31. Review status: criteria provided, single submitter. Criteria: ACMG Guidelines, 2015. Collection method: clinical testing. Allele origin: unknown.

Clinical Molecular Genetics Laboratory, Johns Hopkins All Children's Hospital
Classification: Pathogenic for Precocious puberty in males. Last evaluated: 2012-11-09. Review status: no assertion criteria provided. Collection method: clinical testing. Allele origin: germline. Affected: yes. Not counted in ClinVar's aggregate classification.

OMIM
Classification: Pathogenic for PRECOCIOUS PUBERTY, MALE-LIMITED. Last evaluated: 1998-07-01. Review status: no assertion criteria provided. Collection method: literature only. Allele origin: germline. Not counted in ClinVar's aggregate classification.

Literature cited by the submitters: PubMed 7692306 (cited by 3 submitters); PubMed 30283825 (cited by Labcorp Genetics (formerly Invitae), Labcorp and Athena Diagnostics); PubMed 21490077 (cited by Labcorp Genetics (formerly Invitae), Labcorp and Athena Diagnostics); PubMed 23861372 (cited by Labcorp Genetics (formerly Invitae), Labcorp and Athena Diagnostics); PubMed 7892197 (cited by Athena Diagnostics and OMIM); PubMed 8943222 (cited by Athena Diagnostics); PubMed 7527413 (cited by Athena Diagnostics and OMIM); PubMed 7562970 (cited by Athena Diagnostics and OMIM); PubMed 9703386 (cited by Athena Diagnostics and OMIM); PubMed 7714085 (cited by Athena Diagnostics); PubMed 26040673 (cited by Athena Diagnostics); PubMed 8855841 (cited by Athena Diagnostics and OMIM); PubMed 31967000 (cited by Athena Diagnostics); PubMed 28339861 (cited by Athena Diagnostics); PubMed 7757065 (cited by OMIM); Kremer, H., Mariman, E., Otten, B. J., Moll, G. W., Jr., Stoelinga, G. B. A., Wit, J. M., Jansen, M., Drop, S. L., Faas, B., Ropers, H.-H., Brunner, H. G. Cosegregation of missense mutations of the luteinizing hormone receptor gene with familial male-limited precocious puberty. Hum. Molec. Genet. 2: 1779-1783, 1993. Note: Erratum: Hum. Molec. Genet. 3: 222 only, 1994. (cited by OMIM).

NM_000233.4(LHCGR):c.1733A>G (p.Asp578Gly)

Genes: LHCGR (luteinizing hormone/choriogonadotropin receptor; minus strand), STON1-GTF2A1L (STON1-GTF2A1L readthrough; plus strand). Cytogenetic location: 2p16.3.
Variant type: single nucleotide variant.
Coding change: c.1733A>G on transcript NM_000233.4 (MANE Select); coding-DNA position 1733, A replaced by G.
Protein change: p.Asp578Gly; replaces aspartic acid 578 with glycine.
Molecular consequence: missense variant. On other transcripts: intron variant (1).
Genome position (GRCh38, 1-based): chr2:48,688,064, T>C on the plus strand (A>G on the coding strand, the complement: LHCGR is on the minus strand). VCF-style: chr2-48688064-T-C. GRCh37 (hg19) VCF-style: chr2-48915203-T-C.
Other names: c.3441+16384T>C (NM_001198593.2); short protein forms D578G.
Identifiers: ClinVar variation 14384 (VCV000014384.18), dbSNP rs121912518, ClinGen allele CA123916.